The following is an entry in ClinVar:

NM_000256.3(MYBPC3):c.1333A>G (p.Thr445Ala)

Gene: MYBPC3 (myosin binding protein C3; minus strand). Cytogenetic location: 11p11.2.
Variant type: single nucleotide variant.
Coding change: c.1333A>G on transcript NM_000256.3 (MANE Select); coding-DNA position 1333, A replaced by G.
Protein change: p.Thr445Ala; replaces threonine 445 with alanine.
Molecular consequence: missense variant.
Genome position (GRCh38, 1-based): chr11:47,343,039, T>C on the plus strand (A>G on the coding strand, the complement: MYBPC3 is on the minus strand). VCF-style: chr11-47343039-T-C. GRCh37 (hg19) VCF-style: chr11-47364590-T-C.
Other names: short protein forms T445A.
Identifiers: ClinVar variation 1007207 (VCV001007207.8), dbSNP rs2095890634, ClinGen allele CA380326793.

ClinVar aggregate classification (germline): Uncertain significance (1 of 4 stars; one submission).

Conditions:
Hypertrophic cardiomyopathy. Also called: HYPERTROPHIC MYOCARDIOPATHY. Identifiers: Orphanet 217569, MedGen C0007194, MeSH D002312, MONDO:0005045, HP:0001639.

Submission:

Labcorp Genetics (formerly Invitae), Labcorp
Classification: Uncertain significance for Hypertrophic cardiomyopathy. Last evaluated: 2020-05-21. Review status: criteria provided, single submitter. Criteria: Invitae Variant Classification Sherloc (09022015). Collection method: clinical testing. Allele origin: germline.
Comment: In summary, the available evidence is currently insufficient to determine the role of this variant in disease. Therefore, it has been classified as a Variant of Uncertain Significance. Algorithms developed to predict the effect of missense changes on protein structure and function (SIFT, PolyPhen-2, Align-GVGD) all suggest that this variant is likely to be disruptive, but these predictions have not been confirmed by published functional studies and their clinical significance is uncertain. This variant has not been reported in the literature in individuals with MYBPC3-related conditions. This variant is not present in population databases (ExAC no frequency). This sequence change replaces threonine with alanine at codon 445 of the MYBPC3 protein (p.Thr445Ala). The threonine residue is highly conserved and there is a small physicochemical difference between threonine and alanine.